The following is an entry in ClinVar:

NM_017934.7(PHIP):c.994+8T>G

Gene: PHIP (PHIP subunit of CUL4-Ring ligase complex; minus strand). Cytogenetic location: 6q14.1.
Variant type: single nucleotide variant.
Coding change: c.994+8T>G on transcript NM_017934.7 (MANE Select); 8 bases into the intron after coding-DNA position 994, T replaced by G.
Molecular consequence: intron variant.
Genome position (GRCh38, 1-based): chr6:79,019,081, A>C on the plus strand (T>G on the coding strand, the complement: PHIP is on the minus strand). VCF-style: chr6-79019081-A-C. GRCh37 (hg19) VCF-style: chr6-79728798-A-C.
Identifiers: ClinVar variation 3051569 (VCV003051569.2), dbSNP rs760751341, ClinGen allele CA3900264.
Genomic context (GRCh38, chr6:79,019,081, plus strand): 5'-TACACACTCCACTATAAGGCTTCTAAATGAACAACTTTAAGTCGAAAATTAGAATGAGGG[A>C]AACTTACCAGCACTAAAAGAAGAACAGATCATTTGAACTCCAGGCCGAGGGCGCTCTGTA-3'

ClinVar aggregate classification (germline): Likely benign (0 of 4 stars; one submission).

Conditions:
PHIP-related disorder. Also called: PHIP-related disorders; PHIP-related condition.

Allele frequency attached by ClinVar (database versions not stated): gnomAD exomes below 0.00001; TOPMed below 0.00001; ExAC 0.00001.
gnomAD v4.1: 4 of 1,604,234 alleles (0.00025%); highest among the groups gnomAD compares: Admixed American, 0.0067%; no homozygotes.

Submission:

PreventionGenetics, part of Exact Sciences
Classification: Likely benign for PHIP-related condition. Last evaluated: 2023-01-26. Review status: no assertion criteria provided. Collection method: clinical testing. Allele origin: germline.
Comment: This variant is classified as likely benign based on ACMG/AMP sequence variant interpretation guidelines (Richards et al. 2015 PMID: 25741868, with internal and published modifications).